The following is an entry in ClinVar:

NM_030632.3(ASXL3):c.3025del (p.Val1009fs)

Gene: ASXL3 (ASXL transcriptional regulator 3; plus strand). Cytogenetic location: 18q12.1.
Variant type: Deletion.
Coding change: c.3025del on transcript NM_030632.3 (MANE Select); coding-DNA position 3025, one base deleted (G; older notation c.3025delG).
Protein change: p.Val1009fs; shifts the reading frame from valine 1009.
Molecular consequence: frameshift variant.
Genome position (GRCh38, 1-based): chr18:33,740,429, G deleted; the last of 3 consecutive G bases (chr18:33,740,427-33,740,429); deleting any one gives the same sequence. VCF-style (leftmost placement, unchanged base first): chr18-33740426-AG-A. GRCh37 (hg19) VCF-style: chr18-31320390-AG-A.
Other names: short protein forms V1009fs.
Identifiers: ClinVar variation 3775588 (VCV003775588.2).

ClinVar aggregate classification (germline): Likely pathogenic (1 of 4 stars; one submission).

Conditions:
Bainbridge-Ropers syndrome. Also called: Severe feeding difficulties-failure to thrive-microcephaly due to ASXL3 deficiency syndrome. Identifiers: Orphanet 352577, MedGen C4750837, MONDO:0014205, OMIM 615485.

Submission:

3billion
Classification: Likely pathogenic for Bainbridge-Ropers syndrome. Last evaluated: 2025-02-10. Review status: criteria provided, single submitter. Criteria: ACMG Guidelines, 2015. Collection method: clinical testing. Allele origin: germline. Affected: yes.
Comment: The variant is not observed in the gnomAD v4.1.0 dataset. Predicted Consequence/Location: Frameshift: predicted to result in a loss or disruption of normal protein function through protein truncation. The predicted truncated protein may be shortened by more than 10%. The variant has been reported to be associated with ASXL3-related disorder (3billion dataset). Therefore, this variant is classified as Likely pathogenic according to the recommendation of ACMG/AMP guideline.